The following is an entry in ClinVar:

ClinVar aggregate classification (germline): Uncertain significance. Review status: criteria provided, multiple submitters, no conflicts (2 of 4 stars). 2 submissions from 2 submitters: Uncertain significance (2). Last evaluated 2022-04-06.

Allele frequency attached by ClinVar (database versions not stated): gnomAD 0.00006 and 0.00007; ESP Exome Variant Server 0.00008; TOPMed 0.00010; gnomAD exomes 0.00018; 1000 Genomes Project 0.00020; ExAC 0.00021; 1000 Genomes Project 30x 0.00031.
gnomAD v4.1: 192 of 1,614,034 alleles (0.012%); highest among the groups gnomAD compares: South Asian, 0.086%; 3 homozygotes.

Submissions (2):

Labcorp Genetics (formerly Invitae), Labcorp
Classification: Uncertain significance. Last evaluated: 2022-04-06. Review status: criteria provided, single submitter. Criteria: Invitae Variant Classification Sherloc (09022015). Collection method: clinical testing. Allele origin: germline.
Comment: In summary, the available evidence is currently insufficient to determine the role of this variant in disease. Therefore, it has been classified as a Variant of Uncertain Significance. Algorithms developed to predict the effect of missense changes on protein structure and function output the following: SIFT: "Tolerated"; PolyPhen-2: "Probably Damaging"; Align-GVGD: "Class C0". The methionine amino acid residue is found in multiple mammalian species, which suggests that this missense change does not adversely affect protein function. This variant has not been reported in the literature in individuals affected with AIMP2-related conditions. This variant is present in population databases (rs75895975, gnomAD 0.1%). This sequence change replaces threonine, which is neutral and polar, with methionine, which is neutral and non-polar, at codon 154 of the AIMP2 protein (p.Thr154Met).

Breakthrough Genomics
Classification: Uncertain significance. Review status: criteria provided, single submitter. Criteria: ACMG Guidelines, 2015. Collection method: not provided. Allele origin: germline. Inheritance: Autosomal recessive inheritance. Affected: yes.

NM_006303.4(AIMP2):c.461C>T (p.Thr154Met)

Gene: AIMP2 (aminoacyl tRNA synthetase complex interacting multifunctional protein 2; plus strand). Cytogenetic location: 7p22.1.
Variant type: single nucleotide variant.
Coding change: c.461C>T on transcript NM_006303.4 (MANE Select); coding-DNA position 461, C replaced by T.
Protein change: p.Thr154Met; replaces threonine 154 with methionine.
Molecular consequence: missense variant.
Genome position (GRCh38, 1-based): chr7:6,017,932, C>T. VCF-style: chr7-6017932-C-T. GRCh37 (hg19) VCF-style: chr7-6057563-C-T.
Other names: c.341C>T, p.Thr114Met (NM_001326606.2); c.254C>T, p.Thr85Met (NM_001326607.2); c.227C>T, p.Thr76Met (NM_001326609.2, NM_001326610.2, NM_001326611.3); c.374C>T, p.Thr125Met (NM_001362785.2); c.329C>T, p.Thr110Met (NM_001362787.2); short protein forms T114M, T125M, T85M, T110M, T154M, T76M.
Identifiers: ClinVar variation 1448064 (VCV001448064.7), dbSNP rs75895975, ClinGen allele CA4150362.